The following is an entry in ClinVar:

NM_004370.6(COL12A1):c.5302_5309del (p.Ser1768fs)

Gene: COL12A1 (collagen type XII alpha 1 chain; minus strand). Cytogenetic location: 6q13.
Variant type: Deletion.
Coding change: c.5302_5309del on transcript NM_004370.6 (MANE Select); coding-DNA positions 5302 to 5309, 8 bases deleted (AGCCTGAC; older notation c.5302_5309delAGCCTGAC).
Protein change: p.Ser1768fs; shifts the reading frame from serine 1768.
Molecular consequence: frameshift variant.
Genome position (GRCh38, 1-based): chr6:75,137,522-75,137,529, GTCAGGCT deleted on the plus strand (AGCCTGAC on the coding strand, the reverse complement: COL12A1 is on the minus strand); deleting any 8 consecutive bases within chr6:75,137,522-75,137,531 gives the same sequence; the c. name uses the placement nearest the transcript's 3' end. VCF-style (leftmost placement, unchanged base first): chr6-75137521-AGTCAGGCT-A. GRCh37 (hg19) VCF-style: chr6-75847237-AGTCAGGCT-A.
Other names: p.Ser1768Cysfs*2; c.5302_5309del, p.Ser1768fs (NM_001424113.1); c.5281_5288del, p.Ser1761fs (NM_001424114.1); c.5029_5036del, p.Ser1677fs (NM_001424115.1); c.1810_1817del, p.Ser604fs (NM_001424116.1, NM_080645.3); short protein forms S1677fs, S1761fs, S1768fs, S604fs.
Identifiers: ClinVar variation 3381010 (VCV003381010.2).

ClinVar aggregate classification (germline): Pathogenic/Likely pathogenic. Review status: criteria provided, multiple submitters, no conflicts (2 of 4 stars). 2 submissions from 2 submitters: Pathogenic (1); Likely pathogenic (1). Last evaluated 2025-10-06.

Conditions:
Bethlem myopathy 2 (BTHLM2). Identifiers: Orphanet 536516, Orphanet 610, MedGen C4225313, MONDO:0034022, OMIM 616471.
Ullrich congenital muscular dystrophy 2 (UCMD2). Identifiers: Orphanet 75840, MedGen C4225314, MONDO:0014654, OMIM 616470.

Submissions (2):

Labcorp Genetics (formerly Invitae), Labcorp
Classification: Pathogenic for Bethlem myopathy 2; Ullrich congenital muscular dystrophy 2. Last evaluated: 2025-10-06. Review status: criteria provided, single submitter. Criteria: Invitae Variant Classification Sherloc (09022015). Collection method: clinical testing. Allele origin: germline.
Comment: This sequence change creates a premature translational stop signal (p.Ser1768Cysfs*2) in the COL12A1 gene. It is expected to result in an absent or disrupted protein product. Loss-of-function variants in COL12A1 are known to be pathogenic (PMID: 24334604, 28973083). This variant is not present in population databases (gnomAD no frequency). This variant has not been reported in the literature in individuals affected with COL12A1-related conditions. ClinVar contains an entry for this variant (Variation ID: 3381010). For these reasons, this variant has been classified as Pathogenic.

Mayo Clinic Laboratories, Mayo Clinic
Classification: Likely pathogenic. Last evaluated: 2024-07-10. Review status: criteria provided, single submitter. Criteria: ACMG Guidelines, 2015. Collection method: clinical testing. Allele origin: germline. Observed: 1 variant allele.
Comment: PM2, PVS1

Literature cited by the submitters: PubMed 24334604 (cited by Labcorp Genetics (formerly Invitae), Labcorp and Mayo Clinic Laboratories, Mayo Clinic); PubMed 28973083 (cited by Labcorp Genetics (formerly Invitae), Labcorp); PubMed 21670218 (cited by Mayo Clinic Laboratories, Mayo Clinic); PubMed 31273343 (cited by Mayo Clinic Laboratories, Mayo Clinic).